The following is an entry in ClinVar:

NM_172364.5(CACNA2D4):c.2642A>G (p.Gln881Arg)

Gene: CACNA2D4 (calcium voltage-gated channel auxiliary subunit alpha2delta 4; minus strand). Cytogenetic location: 12p13.33.
Variant type: single nucleotide variant.
Coding change: c.2642A>G on transcript NM_172364.5 (MANE Select); coding-DNA position 2642, A replaced by G.
Protein change: p.Gln881Arg; replaces glutamine 881 with arginine.
Molecular consequence: missense variant.
Genome position (GRCh38, 1-based): chr12:1,810,559, T>C on the plus strand (A>G on the coding strand, the complement: CACNA2D4 is on the minus strand). VCF-style: chr12-1810559-T-C. GRCh37 (hg19) VCF-style: chr12-1919725-T-C.
Other names: short protein forms Q881R.
Identifiers: ClinVar variation 3674081 (VCV003674081.2).

ClinVar aggregate classification (germline): Uncertain significance (1 of 4 stars; one submission).

gnomAD v4.1: 5 of 1,553,546 alleles (0.00032%); highest among the groups gnomAD compares: Middle Eastern, 0.033%; no homozygotes.

Submission:

Labcorp Genetics (formerly Invitae), Labcorp
Classification: Uncertain significance. Last evaluated: 2024-04-25. Review status: criteria provided, single submitter. Criteria: Invitae Variant Classification Sherloc (09022015). Collection method: clinical testing. Allele origin: germline.
Comment: This sequence change replaces glutamine, which is neutral and polar, with arginine, which is basic and polar, at codon 881 of the CACNA2D4 protein (p.Gln881Arg). This variant is not present in population databases (gnomAD no frequency). This variant has not been reported in the literature in individuals affected with CACNA2D4-related conditions. An algorithm developed to predict the effect of missense changes on protein structure and function (PolyPhen-2) suggests that this variant is likely to be tolerated. In summary, the available evidence is currently insufficient to determine the role of this variant in disease. Therefore, it has been classified as a Variant of Uncertain Significance.